The following is an entry in ClinVar:

NM_144499.3(GNAT1):c.7G>A (p.Ala3Thr)

Gene: GNAT1 (G protein subunit alpha transducin 1; plus strand). Cytogenetic location: 3p21.31.
Variant type: single nucleotide variant.
Coding change: c.7G>A on transcript NM_144499.3 (MANE Select); coding-DNA position 7, G replaced by A.
Protein change: p.Ala3Thr; replaces alanine 3 with threonine.
Molecular consequence: missense variant.
Genome position (GRCh38, 1-based): chr3:50,191,732, G>A. VCF-style: chr3-50191732-G-A. GRCh37 (hg19) VCF-style: chr3-50229165-G-A.
Other names: c.7G>A, p.Ala3Thr (NM_000172.4); short protein forms A3T.
Identifiers: ClinVar variation 1489745 (VCV001489745.8), dbSNP rs1266812415, ClinGen allele CA352908589.

ClinVar aggregate classification (germline): Uncertain significance (1 of 4 stars; one submission).

Allele frequency attached by ClinVar (database versions not stated): gnomAD exomes below 0.00001; TOPMed 0.00001.
gnomAD v4.1: 2 of 1,611,784 alleles (0.00012%); highest among the groups gnomAD compares: Non-Finnish European, 0.00017%; no homozygotes.

Submission:

Labcorp Genetics (formerly Invitae), Labcorp
Classification: Uncertain significance. Last evaluated: 2021-02-18. Review status: criteria provided, single submitter. Criteria: Invitae Variant Classification Sherloc (09022015). Collection method: clinical testing. Allele origin: germline.
Comment: In summary, the available evidence is currently insufficient to determine the role of this variant in disease. Therefore, it has been classified as a Variant of Uncertain Significance. Algorithms developed to predict the effect of missense changes on protein structure and function (SIFT, PolyPhen-2, Align-GVGD) all suggest that this variant is likely to be tolerated, but these predictions have not been confirmed by published functional studies and their clinical significance is uncertain. This variant has not been reported in the literature in individuals with GNAT1-related conditions. This variant is not present in population databases (ExAC no frequency). This sequence change replaces alanine with threonine at codon 3 of the GNAT1 protein (p.Ala3Thr). The alanine residue is highly conserved and there is a small physicochemical difference between alanine and threonine.